The following is an entry in ClinVar:

ClinVar aggregate classification (germline): Pathogenic (1 of 4 stars; one submission).

Conditions:
Inborn genetic diseases. Identifiers: MedGen C0950123, MeSH D030342.

Submission:

Ambry Genetics
Classification: Pathogenic for Inborn genetic diseases. Last evaluated: 2023-11-01. Review status: criteria provided, single submitter. Criteria: Ambry Variant Classification Scheme 2023. Collection method: clinical testing. Allele origin: germline.
Comment: The c.4120+1G>T intronic variant results from a G to T substitution one nucleotide after coding exon 15 of the TNRC6B gene. Alterations that disrupt the canonical splice site are expected to cause aberrant splicing, resulting in an abnormal protein or a transcript that is subject to nonsense-mediated mRNA decay. This variant was not reported in population-based cohorts in the Genome Aggregation Database (gnomAD). This nucleotide position is highly conserved in available vertebrate species. In silico splice site analysis predicts that this alteration will weaken the native splice donor site. Based on the available evidence, this alteration is classified as pathogenic.

NM_001162501.2(TNRC6B):c.4120+1G>T

Gene: TNRC6B (trinucleotide repeat containing adaptor 6B; plus strand). Cytogenetic location: 22q13.1.
Variant type: single nucleotide variant.
Coding change: c.4120+1G>T on transcript NM_001162501.2 (MANE Select); the canonical splice donor site of the intron after coding-DNA position 4120, G replaced by T.
Molecular consequence: splice donor variant.
Genome position (GRCh38, 1-based): chr22:40,301,334, G>T. VCF-style: chr22-40301334-G-T. GRCh37 (hg19) VCF-style: chr22-40697338-G-T.
Other names: c.1708+1G>T (NM_001024843.2); c.3790+1G>T (NM_015088.3).
Identifiers: ClinVar variation 3180722 (VCV003180722.1), dbSNP rs1355280060, ClinGen allele CA411663349.
Genomic context (GRCh38, chr22:40,301,334, plus strand): 5'-CATTGAATGTGGGGCTCCCAGACCTTCAAACCAAAGGGCCAATACCTGGATATGGTTCTG[G>T]TAAGTTGTTGGTAGAGAAAATTACCTTTTTAGAAATCTACCTCTCTAGGCCTGTGGTAGG-3'